The following is an entry in ClinVar:

ClinVar aggregate classification (germline): Benign/Likely benign. Review status: criteria provided, multiple submitters, no conflicts (2 of 4 stars). 2 submissions from 2 submitters: Benign (1); Likely benign (1). Last evaluated 2024-12-14.

Conditions:
Posterior column ataxia-retinitis pigmentosa syndrome (RETSNS). Also called: RETINOPATHY-SENSORY NEUROPATHY SYNDROME. Identifiers: Orphanet 88628, MedGen C1836916, MONDO:0012177, OMIM 609033.

Allele frequency attached by ClinVar (database versions not stated): gnomAD 0.00019 and 0.00025; TOPMed 0.00023; ExAC 0.00062; gnomAD exomes 0.00013 and 0.00061; 1000 Genomes Project 30x 0.00203; 1000 Genomes Project 0.00220.
gnomAD v4.1: 235 of 1,614,160 alleles (0.015%); highest among the groups gnomAD compares: East Asian, 0.49%; 1 homozygote.

Submissions (2):

Labcorp Genetics (formerly Invitae), Labcorp
Classification: Benign. Last evaluated: 2024-12-14. Review status: criteria provided, single submitter. Criteria: Invitae Variant Classification Sherloc (09022015). Collection method: clinical testing. Allele origin: germline.

Illumina Laboratory Services, Illumina
Classification: Likely benign for Posterior column ataxia-retinitis pigmentosa syndrome. Last evaluated: 2018-01-13. Review status: criteria provided, single submitter. Criteria: ICSL Variant Classification Criteria 13 December 2019. Collection method: clinical testing. Allele origin: germline.
Comment: This variant was observed in the ICSL laboratory as part of a predisposition screen in an ostensibly healthy population. It had not been previously curated by ICSL or reported in the Human Gene Mutation Database (HGMD: prior to June 1st, 2018), and was therefore a candidate for classification through an automated scoring system. Utilizing variant allele frequency, disease prevalence and penetrance estimates, and inheritance mode, an automated score was calculated to assess if this variant is too frequent to cause the disease. Based on the score and internal cut-off values, a variant classified as likely benign is not then subjected to further curation. The score for this variant resulted in a classification of likely benign for this disease.

NM_017791.3(FLVCR2):c.905C>A (p.Ala302Asp)

Gene: FLVCR2 (FLVCR choline and putative heme transporter 2; plus strand). Cytogenetic location: 14q24.3.
Variant type: single nucleotide variant.
Coding change: c.905C>A on transcript NM_017791.3 (MANE Select); coding-DNA position 905, C replaced by A.
Protein change: p.Ala302Asp; replaces alanine 302 with aspartic acid.
Molecular consequence: missense variant.
Genome position (GRCh38, 1-based): chr14:75,624,705, C>A. VCF-style: chr14-75624705-C-A. GRCh37 (hg19) VCF-style: chr14-76091048-C-A.
Other names: c.290C>A, p.Ala97Asp (NM_001195283.2); short protein forms A302D, A97D.
Identifiers: ClinVar variation 314414 (VCV000314414.9), dbSNP rs183200579, ClinGen allele CA7278351.